The following is an entry in ClinVar:

NM_031220.4(PITPNM3):c.2716G>A (p.Gly906Ser)

Gene: PITPNM3 (PITPNM family member 3; minus strand). Cytogenetic location: 17p13.2.
Variant type: single nucleotide variant.
Coding change: c.2716G>A on transcript NM_031220.4 (MANE Select); coding-DNA position 2716, G replaced by A.
Protein change: p.Gly906Ser; replaces glycine 906 with serine.
Molecular consequence: missense variant.
Genome position (GRCh38, 1-based): chr17:6,455,547, C>T on the plus strand (G>A on the coding strand, the complement: PITPNM3 is on the minus strand). VCF-style: chr17-6455547-C-T. GRCh37 (hg19) VCF-style: chr17-6358867-C-T.
Other names: c.2608G>A, p.Gly870Ser (NM_001165966.2); short protein forms G870S, G906S.
Identifiers: ClinVar variation 1514528 (VCV001514528.6), dbSNP rs2150711522, ClinGen allele CA397401110.
Genomic context (GRCh38, chr17:6,455,547, plus strand): 5'-TTCTGCGCAGGTGGTTGCGCTTCCGCAGGAACTCTGGCTGCGCGTGCAGCCCGAAGCTGC[C>T]CTTGCGCAGGATCATGCGCGAGTTGTTCTTCTTTGGGCGTGAGCGGTGGCTGGCCTCCAG-3'
Protein context (NP_112497.2, residues 896-916): KNNSRMILRK[Gly906Ser]SFGLHAQPEF

ClinVar aggregate classification (germline): Uncertain significance (1 of 4 stars; one submission).

Submission:

Labcorp Genetics (formerly Invitae), Labcorp
Classification: Uncertain significance. Last evaluated: 2022-10-13. Review status: criteria provided, single submitter. Criteria: Invitae Variant Classification Sherloc (09022015). Collection method: clinical testing. Allele origin: germline.
Comment: This variant is not present in population databases (gnomAD no frequency). This sequence change replaces glycine, which is neutral and non-polar, with serine, which is neutral and polar, at codon 906 of the PITPNM3 protein (p.Gly906Ser). This variant has not been reported in the literature in individuals affected with PITPNM3-related conditions. ClinVar contains an entry for this variant (Variation ID: 1514528). Advanced modeling of protein sequence and biophysical properties (such as structural, functional, and spatial information, amino acid conservation, physicochemical variation, residue mobility, and thermodynamic stability) performed at Invitae indicates that this missense variant is not expected to disrupt PITPNM3 protein function. In summary, the available evidence is currently insufficient to determine the role of this variant in disease. Therefore, it has been classified as a Variant of Uncertain Significance.